The following is an entry in ClinVar:

ClinVar aggregate classification (germline): Uncertain significance. Review status: criteria provided, multiple submitters, no conflicts (2 of 4 stars). 2 submissions from 2 submitters: Uncertain significance (2). Last evaluated 2025-09-23.

Allele frequency attached by ClinVar (database versions not stated): gnomAD 0.00001; gnomAD exomes 0.00001 and 0.00003; TOPMed 0.00001.
gnomAD v4.1: 15 of 1,551,600 alleles (0.00097%); highest among the groups gnomAD compares: Admixed American, 0.002%; no homozygotes.

Submissions (2):

Women's Health and Genetics/Laboratory Corporation of America, LabCorp
Classification: Uncertain significance. Last evaluated: 2025-09-23. Review status: criteria provided, single submitter. Criteria: LabCorp Variant Classification Summary - May 2015. Collection method: clinical testing. Allele origin: germline.
Comment: Variant summary: MYO7A c.1541G>C (p.Ser514Thr) results in a conservative amino acid change in the encoded protein sequence. Algorithms developed to predict the effect of missense changes on protein structure and function are either unavailable or do not agree on the potential impact of this missense change. The variant allele was found at a frequency of 2.6e-05 in 156344 control chromosomes. The available data on variant occurrences in the general population are insufficient to allow any conclusion about variant significance. c.1541G>C has been observed at a heterozgous state in one individual affected with profound hearing loss (Tlili_2024). These data do not allow any conclusion about variant significance. To our knowledge, no experimental evidence demonstrating an impact on protein function has been reported. The following publication have been ascertained in the context of this evaluation (PMID: 38844983). ClinVar contains an entry for this variant (Variation ID: 1420150). Based on the evidence outlined above, the variant was classified as uncertain significance.

Labcorp Genetics (formerly Invitae), Labcorp
Classification: Uncertain significance. Last evaluated: 2024-11-07. Review status: criteria provided, single submitter. Criteria: Invitae Variant Classification Sherloc (09022015). Collection method: clinical testing. Allele origin: germline.
Comment: This sequence change replaces serine, which is neutral and polar, with threonine, which is neutral and polar, at codon 514 of the MYO7A protein (p.Ser514Thr). This variant is present in population databases (no rsID available, gnomAD 0.01%). This variant has not been reported in the literature in individuals affected with MYO7A-related conditions. ClinVar contains an entry for this variant (Variation ID: 1420150). Invitae Evidence Modeling of protein sequence and biophysical properties (such as structural, functional, and spatial information, amino acid conservation, physicochemical variation, residue mobility, and thermodynamic stability) indicates that this missense variant is not expected to disrupt MYO7A protein function with a negative predictive value of 95%. In summary, the available evidence is currently insufficient to determine the role of this variant in disease. Therefore, it has been classified as a Variant of Uncertain Significance.

Literature cited by the submitters: PubMed 38844983 (cited by Women's Health and Genetics/Laboratory Corporation of America, LabCorp).

NM_000260.4(MYO7A):c.1541G>C (p.Ser514Thr)

Gene: MYO7A (myosin VIIA; plus strand). Cytogenetic location: 11q13.5.
Variant type: single nucleotide variant.
Coding change: c.1541G>C on transcript NM_000260.4 (MANE Select); coding-DNA position 1541, G replaced by C.
Protein change: p.Ser514Thr; replaces serine 514 with threonine.
Molecular consequence: missense variant.
Genome position (GRCh38, 1-based): chr11:77,162,317, G>C. VCF-style: chr11-77162317-G-C. GRCh37 (hg19) VCF-style: chr11-76873363-G-C.
Other names: c.1541G>C, p.Ser514Thr (NM_001127180.2); c.1508G>C, p.Ser503Thr (NM_001369365.1); short protein forms S514T, S503T.
Identifiers: ClinVar variation 1420150 (VCV001420150.8), dbSNP rs1232585465, ClinGen allele CA381935807.
Genomic context (GRCh38, chr11:77,162,317, plus strand): 5'-ATGCCCTGGACATGATTGCCAACAAGCCCATGAACATCATCTCCCTCATCGATGAGGAGA[G>C]CAAGTTCCCCAAGGTGGGCCGGTCCTGCTGCCGCCTCCCAGGGTCTTGGGTGCGCACAGC-3'
Protein context (NP_000251.3, residues 504-524): MNIISLIDEE[Ser514Thr]KFPKGTDTTM